The following is an entry in ClinVar:

NM_173685.4(NSMCE2):c.379G>T (p.Val127Leu)

Gene: NSMCE2 (NSE2 SUMO ligase component of SMC5/6 complex; plus strand). Cytogenetic location: 8q24.13.
Variant type: single nucleotide variant.
Coding change: c.379G>T on transcript NM_173685.4 (MANE Select); coding-DNA position 379, G replaced by T.
Protein change: p.Val127Leu; replaces valine 127 with leucine.
Molecular consequence: missense variant. On other transcripts: non-coding transcript variant (2).
Genome position (GRCh38, 1-based): chr8:125,182,217, G>T. VCF-style: chr8-125182217-G-T. GRCh37 (hg19) VCF-style: chr8-126194459-G-T.
Other names: c.379G>T, p.Val127Leu (NM_001349485.2, NM_001349486.2, NM_001349487.2); short protein forms V127L.
Identifiers: ClinVar variation 2089093 (VCV002089093.4), dbSNP rs952712670, ClinGen allele CA185477537.

ClinVar aggregate classification (germline): Uncertain significance (1 of 4 stars; one submission).

Allele frequency attached by ClinVar (database versions not stated): TOPMed below 0.00001; gnomAD 0.00001.
gnomAD v4.1: 1 of 1,608,664 alleles (0.000062%); highest among the groups gnomAD compares: South Asian, 0.0011%; no homozygotes.

Submission:

Labcorp Genetics (formerly Invitae), Labcorp
Classification: Uncertain significance. Last evaluated: 2022-11-01. Review status: criteria provided, single submitter. Criteria: Invitae Variant Classification Sherloc (09022015). Collection method: clinical testing. Allele origin: germline.
Comment: In summary, the available evidence is currently insufficient to determine the role of this variant in disease. Therefore, it has been classified as a Variant of Uncertain Significance. Algorithms developed to predict the effect of missense changes on protein structure and function (SIFT, PolyPhen-2, Align-GVGD) all suggest that this variant is likely to be tolerated. This variant has not been reported in the literature in individuals affected with NSMCE2-related conditions. This variant is not present in population databases (gnomAD no frequency). This sequence change replaces valine, which is neutral and non-polar, with leucine, which is neutral and non-polar, at codon 127 of the NSMCE2 protein (p.Val127Leu).